The following is an entry in ClinVar:

NM_001079.4(ZAP70):c.1083-13_1083-10dup

Gene: ZAP70 (zeta chain of T cell receptor associated protein kinase 70; plus strand). Cytogenetic location: 2q11.2.
Variant type: Duplication.
Coding change: c.1083-13_1083-10dup on transcript NM_001079.4 (MANE Select); 13 bases into the intron before coding-DNA position 1083 through 10 bases into the intron before coding-DNA position 1083, 4 bases duplicated (CCGG; older notation c.1083-13_1083-10dupCCGG).
Molecular consequence: intron variant.
Genome position (GRCh38, 1-based): chr2:97,735,237-97,735,240, CCGG duplicated; duplicating any 4 consecutive bases within chr2:97,735,235-97,735,240 gives the same sequence; the c. name uses the placement nearest the transcript's 3' end. VCF-style (leftmost placement, unchanged base first): chr2-97735234-T-TGGCC. GRCh37 (hg19) VCF-style: chr2-98351697-T-TGGCC.
Other names: c.1083-13_1083-10dup (NM_001378594.1); c.162-13_162-10dup (NM_207519.2).
Identifiers: ClinVar variation 3029750 (VCV003029750.2), dbSNP rs1319215530, ClinGen allele CA534651798.

ClinVar aggregate classification (germline): Likely benign (0 of 4 stars; one submission).

Conditions:
ZAP70-related disorder. Also called: ZAP70-related condition.

Submission:

PreventionGenetics, part of Exact Sciences
Classification: Likely benign for ZAP70-related condition. Last evaluated: 2021-06-22. Review status: no assertion criteria provided. Collection method: clinical testing. Allele origin: germline.
Comment: This variant is classified as likely benign based on ACMG/AMP sequence variant interpretation guidelines (Richards et al. 2015 PMID: 25741868, with internal and published modifications).